The following is an entry in ClinVar:

ClinVar aggregate classification (germline): Likely pathogenic (1 of 4 stars; one submission).

Conditions:
Corneal dystrophy-perceptive deafness syndrome (CDPD). Also called: CORNEAL DYSTROPHY AND SENSORINEURAL DEAFNESS; HARBOYAN SYNDROME. Identifiers: Orphanet 1490, MedGen C1857572, MONDO:0009015, OMIM 217400.

Submission:

Natera, Inc.
Classification: Likely pathogenic for Corneal dystrophy-perceptive deafness syndrome. Last evaluated: 2025-06-08. Review status: criteria provided, single submitter. Criteria: Natera Variant Classification Schema (03/2026). Collection method: clinical testing. Allele origin: germline.
Comment: The c.1195G>T variant in SLC4A11 is a nonsense variant predicted to introduce a stop codon at amino acid 399. This variant is expected to result in nonsense mediated decay, truncation, or a dysfunctional protein product. This variant is rare in the general population with a frequency below the threshold expected for the associated phenotype(s). Given the available evidence, this variant is classified as Likely Pathogenic.

NM_001174089.2(SLC4A11):c.1147G>T (p.Glu383Ter)

Gene: SLC4A11 (solute carrier family 4 member 11; minus strand). Cytogenetic location: 20p13.
Variant type: single nucleotide variant.
Coding change: c.1147G>T on transcript NM_001174089.2 (MANE Select); coding-DNA position 1147, G replaced by T.
Protein change: p.Glu383Ter; replaces glutamic acid 383 with a stop codon.
Molecular consequence: nonsense. On other transcripts: non-coding transcript variant (3).
Genome position (GRCh38, 1-based): chr20:3,230,954, C>A on the plus strand (G>T on the coding strand, the complement: SLC4A11 is on the minus strand). VCF-style: chr20-3230954-C-A. GRCh37 (hg19) VCF-style: chr20-3211600-C-A.
Other names: c.1276G>T, p.Glu426Ter (NM_001174090.2, NM_001400280.1); c.1147G>T, p.Glu383Ter (NM_001363745.2); c.1090G>T, p.Glu364Ter (NM_001400277.1, NM_001400278.1, NM_001400279.1); c.1195G>T, p.Glu399Ter (NM_032034.4); short protein forms E364*, E383*, E399*, E426*.
Identifiers: ClinVar variation 4816297 (VCV004816297.1).